The following is an entry in ClinVar:

NM_015466.4(PTPN23):c.2303C>T (p.Pro768Leu)

Gene: PTPN23 (protein tyrosine phosphatase non-receptor type 23; plus strand). Cytogenetic location: 3p21.31.
Variant type: single nucleotide variant.
Coding change: c.2303C>T on transcript NM_015466.4 (MANE Select); coding-DNA position 2303, C replaced by T.
Protein change: p.Pro768Leu; replaces proline 768 with leucine.
Molecular consequence: missense variant.
Genome position (GRCh38, 1-based): chr3:47,410,101, C>T. VCF-style: chr3-47410101-C-T. GRCh37 (hg19) VCF-style: chr3-47451591-C-T.
Other names: c.1925C>T, p.Pro642Leu (NM_001304482.2); short protein forms P642L, P768L.
Identifiers: ClinVar variation 2148920 (VCV002148920.1), dbSNP rs982368334, ClinGen allele CA73879847.

ClinVar aggregate classification (germline): Uncertain significance (1 of 4 stars; one submission).

Allele frequency attached by ClinVar (database versions not stated): gnomAD exomes 0.00003; gnomAD 0.00005; TOPMed 0.00006.

Submission:

Labcorp Genetics (formerly Invitae), Labcorp
Classification: Uncertain significance. Last evaluated: 2022-08-22. Review status: criteria provided, single submitter. Criteria: Invitae Variant Classification Sherloc (09022015). Collection method: clinical testing. Allele origin: germline.
Comment: This sequence change replaces proline, which is neutral and non-polar, with leucine, which is neutral and non-polar, at codon 768 of the PTPN23 protein (p.Pro768Leu). This variant is present in population databases (no rsID available, gnomAD 0.003%). This variant has not been reported in the literature in individuals affected with PTPN23-related conditions. Algorithms developed to predict the effect of missense changes on protein structure and function are either unavailable or do not agree on the potential impact of this missense change (SIFT: "Tolerated"; PolyPhen-2: "Not Available"; Align-GVGD: "Class C0"). In summary, the available evidence is currently insufficient to determine the role of this variant in disease. Therefore, it has been classified as a Variant of Uncertain Significance.